The following is an entry in ClinVar:

NM_001127464.1:c.11098C>T

Gene: ZNF469 (zinc finger protein 469; plus strand).
Variant type: single nucleotide variant.
Identifiers: ClinVar variation 4842239 (VCV004842239.1).

ClinVar aggregate classification (germline): Uncertain significance (1 of 4 stars; one submission).

Conditions:
Cardiovascular phenotype. Identifiers: MedGen CN230736.

Submission:

Ambry Genetics
Classification: Uncertain significance for Cardiovascular phenotype. Last evaluated: 2025-12-24. Review status: criteria provided, single submitter. Criteria: Ambry Variant Classification Scheme 2023. Collection method: clinical testing. Allele origin: germline.
Comment: The p.P3700S variant (also known as c.11098C>T), located in coding exon 2 of the ZNF469 gene, results from a C to T substitution at nucleotide position 11098. The proline at codon 3700 is replaced by serine, an amino acid with similar properties. This amino acid position is conserved. In addition, this alteration is predicted to be tolerated by in silico analysis. Based on the available evidence, the clinical significance of this variant remains unclear.